The following is an entry in ClinVar:

ClinVar aggregate classification (germline): Pathogenic. Review status: criteria provided, single submitter (1 of 4 stars). 2 submissions from 2 submitters: Pathogenic (1). 1 of the submissions does not count toward it. Last evaluated 2018-07-24.

Conditions:
Weiss-Kruszka syndrome. Also called: Metopic ridging-ptosis-facial dysmorphism syndrome. Identifiers: Orphanet 502430, MedGen C5568107, MONDO:0032836, OMIM 618619.

Submissions (2):

GeneDx
Classification: Pathogenic. Last evaluated: 2018-07-24. Review status: criteria provided, single submitter. Criteria: GeneDx Variant Classification (06012015). Collection method: clinical testing. Allele origin: germline. Affected: yes.
Comment: The c.882dupC variant in the ZNF462 gene has not been reported previously as a pathogenic variant nor as a benign variant, to our knowledge. The c.882dupC variant causes a frameshift starting with codon Serine 295, changes this amino acid to a Glutamine residue, and creates a premature Stop codon at position 64 of the new reading frame, denoted p.Ser29GlnfsX64. This variant is predicted to cause loss of normal protein function either through protein truncation or nonsense-mediated mRNA decay. The c.882dupC variant is not observed in large population cohorts (Lek et al., 2016). We interpret c.882dupC as a pathogenic variant.

OMIM
Classification: Pathogenic for WEISS-KRUSZKA SYNDROME. Last evaluated: 2019-10-11. Review status: no assertion criteria provided. Collection method: literature only. Allele origin: germline. Not counted in ClinVar's aggregate classification.

Literature cited by the submitters: PubMed 31361404 (cited by OMIM).

NM_021224.6(ZNF462):c.882dup (p.Ser295fs)

Gene: ZNF462 (zinc finger protein 462; plus strand). Cytogenetic location: 9q31.2.
Variant type: Duplication.
Coding change: c.882dup on transcript NM_021224.6 (MANE Select); coding-DNA position 882, one base duplicated (C; older notation c.882dupC).
Protein change: p.Ser295fs; shifts the reading frame from serine 295.
Molecular consequence: frameshift variant.
Genome position (GRCh38, 1-based): chr9:106,924,794, C duplicated; the last of 5 consecutive C bases (chr9:106,924,790-106,924,794); duplicating any one gives the same sequence. VCF-style (leftmost placement, unchanged base first): chr9-106924789-G-GC. GRCh37 (hg19) VCF-style: chr9-109687070-G-GC.
Other names: c.882dup, p.Ser295fs (NM_001347997.2); short protein forms S295fs.
Identifiers: ClinVar variation 691881 (VCV000691881.2), dbSNP rs1588063241, ClinGen allele CA915947133.
Genomic context (GRCh38, chr9:106,924,789, plus strand): 5'-CTTTCCAGTCTCAGACAGCAACAAGAAGGAACTAATCTACCTGATGTGCCGAACAAGAGT[G>GC]CCCCCAGCCCCACTTCCAACTCCACCTATCTGACCATGAATGCTGCAAGCCGGGAGATAC-3'